The following is an entry in ClinVar:

ClinVar aggregate classification (germline): Uncertain significance (1 of 4 stars; one submission).

Conditions:
Capillary malformation-arteriovenous malformation syndrome. Also called: Capillary malformation-arteriovenous malformation. Identifiers: Orphanet 137667, MedGen C1842180, MONDO:0012016.

gnomAD v4.1: 3 of 1,614,150 alleles (0.00019%); highest among the groups gnomAD compares: South Asian, 0.0022%; no homozygotes.

Submission:

Labcorp Genetics (formerly Invitae), Labcorp
Classification: Uncertain significance for Capillary malformation-arteriovenous malformation syndrome. Last evaluated: 2022-06-02. Review status: criteria provided, single submitter. Criteria: Invitae Variant Classification Sherloc (09022015). Collection method: clinical testing. Allele origin: germline.
Comment: In summary, the available evidence is currently insufficient to determine the role of this variant in disease. Therefore, it has been classified as a Variant of Uncertain Significance. Algorithms developed to predict the effect of missense changes on protein structure and function are either unavailable or do not agree on the potential impact of this missense change (SIFT: "Deleterious"; PolyPhen-2: "Possibly Damaging"; Align-GVGD: "Class C0"). This variant has not been reported in the literature in individuals affected with RASA1-related conditions. This variant is not present in population databases (gnomAD no frequency). This sequence change replaces proline, which is neutral and non-polar, with leucine, which is neutral and non-polar, at codon 135 of the RASA1 protein (p.Pro135Leu).

NM_002890.3(RASA1):c.404C>T (p.Pro135Leu)

Gene: RASA1 (RAS p21 protein activator 1; plus strand). Cytogenetic location: 5q14.3.
Variant type: single nucleotide variant.
Coding change: c.404C>T on transcript NM_002890.3 (MANE Select); coding-DNA position 404, C replaced by T.
Protein change: p.Pro135Leu; replaces proline 135 with leucine.
Molecular consequence: missense variant.
Genome position (GRCh38, 1-based): chr5:87,268,855, C>T. VCF-style: chr5-87268855-C-T. GRCh37 (hg19) VCF-style: chr5-86564672-C-T.
Other names: short protein forms P135L.
Identifiers: ClinVar variation 1954616 (VCV001954616.5), dbSNP rs770426834, ClinGen allele CA360417330.